The following is an entry in ClinVar:

ClinVar aggregate classification (germline): Likely benign. Review status: reviewed by expert panel (3 of 4 stars). 3 submissions from 3 submitters: Likely benign (1). 2 of the submissions do not count toward it. Last evaluated 2022-04-25.

Conditions:
Hereditary thrombocytopenia and hematological cancer predisposition syndrome associated with RUNX1. Also called: Familial Platelet Disorder with Propensity to Acute Myelogenous Leukemia; Familial thrombocytopenia with propensity to acute myelogenous leukemia; PLATELET DISORDER, ASPIRIN-LIKE; RUNX1 Familial Platelet Disorder with Associated Myeloid Malignancies. Identifiers: Orphanet 71290, MedGen C1832388, MeSH C563324, MONDO:0100083, OMIM 601399.
Hereditary thrombocytopenia and hematologic cancer predisposition syndrome. Identifiers: Orphanet 71290, MedGen CN281654, MONDO:0011071.
Inborn genetic diseases. Identifiers: MedGen C0950123, MeSH D030342.

Submissions (3):

ClinGen Myeloid Malignancy Variant Curation Expert Panel
Classification: Likely benign for Hereditary thrombocytopenia and hematologic cancer predisposition syndrome. Last evaluated: 2022-04-25. Review status: reviewed by expert panel. Criteria: ClinGen MyeloMalig ACMG Specifications v2. Collection method: curation. Allele origin: germline. Inheritance: Autosomal dominant inheritance.
Comment: NM_001754.5(RUNX1):c.1266G>A (p.Glu422=) is a synonymous variant. REVEL score not calculable. SpliceAI predicts: Acceptor loss 0.00, Donor loss 0.00, Acceptor gain 0.00, Donor gain 0.00 (BP4). Evolutionary conservation prediction algorithms predict the site as not being conserved (PhyloP score -0.378488 < 2.0 or the variant is the reference nucleotide in one primate and/or three mammal species) (BP7). This variant is completely absent from all population databases with at least 20x coverage for RUNX1 (PM2_supporting). In summary, this variant meets criteria to be classified as likely benign. ACMG/AMP criteria applied, as specified by the Myeloid Malignancy Variant Curation Expert Panel for RUNX1: BP4, BP7, PM2_supporting.

Labcorp Genetics (formerly Invitae), Labcorp
Classification: Likely benign for Hereditary thrombocytopenia and hematological cancer predisposition syndrome associated with RUNX1. Last evaluated: 2025-07-23. Review status: criteria provided, single submitter. Criteria: Invitae Variant Classification Sherloc (09022015). Collection method: clinical testing. Allele origin: germline. Not counted in ClinVar's aggregate classification.

Ambry Genetics
Classification: Likely benign for Inborn genetic diseases. Last evaluated: 2024-12-10. Review status: criteria provided, single submitter. Criteria: Ambry Variant Classification Scheme 2023. Collection method: clinical testing. Allele origin: germline. Not counted in ClinVar's aggregate classification.

NM_001754.5(RUNX1):c.1266G>A (p.Glu422=)

Gene: RUNX1 (RUNX family transcription factor 1; minus strand). Cytogenetic location: 21q22.12.
Variant type: single nucleotide variant.
Coding change: c.1266G>A on transcript NM_001754.5 (MANE Select); coding-DNA position 1266, G replaced by A.
Protein change: p.Glu422=; no amino-acid change (glutamic acid 422 retained).
Molecular consequence: synonymous variant.
Genome position (GRCh38, 1-based): chr21:34,792,312, C>T on the plus strand (G>A on the coding strand, the complement: RUNX1 is on the minus strand). VCF-style: chr21-34792312-C-T. GRCh37 (hg19) VCF-style: chr21-36164609-C-T.
Other names: NM_001754.5(RUNX1):c.1266G>A; p.Glu422=; c.1185G>A, p.Glu395= (NM_001001890.3); c.1266G>A (NM_001754.4).
Identifiers: ClinVar variation 1154966 (VCV001154966.11), dbSNP rs967317406, ClinGen allele CA512341158.